The following is an entry in ClinVar:

NM_001184.4(ATR):c.7041+7A>T

Gene: ATR (ATR checkpoint kinase; minus strand). Cytogenetic location: 3q23.
Variant type: single nucleotide variant.
Coding change: c.7041+7A>T on transcript NM_001184.4 (MANE Select); 7 bases into the intron after coding-DNA position 7041, A replaced by T.
Molecular consequence: intron variant.
Genome position (GRCh38, 1-based): chr3:142,465,090, T>A on the plus strand (A>T on the coding strand, the complement: ATR is on the minus strand). VCF-style: chr3-142465090-T-A. GRCh37 (hg19) VCF-style: chr3-142183932-T-A.
Other names: c.6849+7A>T (NM_001354579.2); c.7041+7A>T (NM_001184.3).
Identifiers: ClinVar variation 1661413 (VCV001661413.9), dbSNP rs2071097632, ClinGen allele CA1054351071.

ClinVar aggregate classification (germline): Likely benign. Review status: criteria provided, multiple submitters, no conflicts (2 of 4 stars). 2 submissions from 2 submitters: Likely benign (2). Last evaluated 2024-12-04.

Conditions:
ATR-related disorder. Also called: ATR-related condition.

Allele frequency attached by ClinVar (database versions not stated): gnomAD 0.00001.
gnomAD v4.1: 5 of 1,496,960 alleles (0.00033%); highest among the groups gnomAD compares: African/African-American, 0.0042%; no homozygotes.

Submissions (2):

PreventionGenetics, part of Exact Sciences
Classification: Likely benign for ATR-related condition. Last evaluated: 2024-12-04. Review status: criteria provided, single submitter. Criteria: ACMG Guidelines, 2015. Collection method: clinical testing. Allele origin: germline.
Comment: This variant is classified as likely benign based on ACMG/AMP sequence variant interpretation guidelines (Richards et al. 2015 PMID: 25741868, with internal and published modifications).

Labcorp Genetics (formerly Invitae), Labcorp
Classification: Likely benign. Last evaluated: 2024-10-21. Review status: criteria provided, single submitter. Criteria: Invitae Variant Classification Sherloc (09022015). Collection method: clinical testing. Allele origin: germline.